The following is an entry in ClinVar:

ClinVar aggregate classification (germline): Uncertain significance (1 of 4 stars; one submission).

Submission:

GeneDx
Classification: Uncertain significance. Last evaluated: 2025-02-18. Review status: criteria provided, single submitter. Criteria: GeneDx Variant Classification Process June 2021. Collection method: clinical testing. Allele origin: germline. Affected: yes.
Comment: Has not been previously published as pathogenic or benign to our knowledge; No data available from control populations to assess the frequency of this variant; Canonical splice site variant in a gene for which loss-of-function is not an established mechanism of disease

NM_152703.5(SAMD9L):c.-1043+2T>C

Gene: SAMD9L (sterile alpha motif domain containing 9 like; minus strand). Cytogenetic location: 7q21.2.
Variant type: single nucleotide variant.
Coding change: c.-1043+2T>C on transcript NM_152703.5 (MANE Select); the canonical splice donor site of the intron after 1043 bases upstream of the start codon, T replaced by C.
Molecular consequence: splice donor variant.
Genome position (GRCh38, 1-based): chr7:93,148,192, A>G on the plus strand (T>C on the coding strand, the complement: SAMD9L is on the minus strand). VCF-style: chr7-93148192-A-G. GRCh37 (hg19) VCF-style: chr7-92777505-A-G.
Other names: c.-271+2T>C (NM_001303500.3); c.-403+2T>C (NM_001303498.3); c.-779+2T>C (NM_001350083.2); c.-462+2T>C (NM_001350084.2); c.-838+2T>C (NM_001303496.3); c.-535+2T>C (NM_001350085.2); c.-667+2T>C (NM_001303497.3); c.-715+2T>C (NM_001350082.2).
Identifiers: ClinVar variation 4075732 (VCV004075732.1).